The following is an entry in ClinVar:

NM_031407.7(HUWE1):c.1883A>C (p.Glu628Ala)

Gene: HUWE1 (HECT, UBA and WWE domain containing E3 ubiquitin protein ligase 1; minus strand). Cytogenetic location: Xp11.22.
Variant type: single nucleotide variant.
Coding change: c.1883A>C on transcript NM_031407.7 (MANE Select); coding-DNA position 1883, A replaced by C.
Protein change: p.Glu628Ala; replaces glutamic acid 628 with alanine.
Molecular consequence: missense variant.
Genome position (GRCh38, 1-based): chrX:53,617,044, T>G on the plus strand (A>C on the coding strand, the complement: HUWE1 is on the minus strand). VCF-style: chrX-53617044-T-G. GRCh37 (hg19) VCF-style: chrX-53644005-T-G.
Other names: short protein forms E628A.
Identifiers: ClinVar variation 1305931 (VCV001305931.2), dbSNP rs2148850658, ClinGen allele CA413147805.

ClinVar aggregate classification (germline): Uncertain significance (1 of 4 stars; one submission).

Submission:

GeneDx
Classification: Uncertain significance. Last evaluated: 2021-05-25. Review status: criteria provided, single submitter. Criteria: GeneDx Variant Classification Process June 2021. Collection method: clinical testing. Allele origin: germline. Affected: yes.
Comment: Not observed in large population cohorts (Database of Genomic Variants; MacDonald et al., 2014); In silico analysis supports that this missense variant has a deleterious effect on protein structure/function; Has not been previously published as pathogenic or benign to our knowledge